The following is an entry in ClinVar:

ClinVar aggregate classification (germline): Uncertain significance (1 of 4 stars; one submission).

Conditions:
Lysinuric protein intolerance (LPI). Identifiers: Orphanet 470, MedGen C0268647, MONDO:0009109, OMIM 222700.

Submission:

Labcorp Genetics (formerly Invitae), Labcorp
Classification: Uncertain significance for Lysinuric protein intolerance. Last evaluated: 2022-07-19. Review status: criteria provided, single submitter. Criteria: Invitae Variant Classification Sherloc (09022015). Collection method: clinical testing. Allele origin: germline.
Comment: This variant has not been reported in the literature in individuals affected with SLC7A7-related conditions. In summary, the available evidence is currently insufficient to determine the role of this variant in disease. Therefore, it has been classified as a Variant of Uncertain Significance. Algorithms developed to predict the effect of missense changes on protein structure and function are either unavailable or do not agree on the potential impact of this missense change (SIFT: "Tolerated"; PolyPhen-2: "Possibly Damaging"; Align-GVGD: "Class C15"). ClinVar contains an entry for this variant (Variation ID: 1523382). This variant is not present in population databases (gnomAD no frequency). This sequence change replaces serine, which is neutral and polar, with cysteine, which is neutral and slightly polar, at codon 211 of the SLC7A7 protein (p.Ser211Cys).

NM_003982.4(SLC7A7):c.632C>G (p.Ser211Cys)

Gene: SLC7A7 (solute carrier family 7 member 7; minus strand). Cytogenetic location: 14q11.2.
Variant type: single nucleotide variant.
Coding change: c.632C>G on transcript NM_003982.4 (MANE Select); coding-DNA position 632, C replaced by G.
Protein change: p.Ser211Cys; replaces serine 211 with cysteine.
Molecular consequence: missense variant.
Genome position (GRCh38, 1-based): chr14:22,778,931, G>C on the plus strand (C>G on the coding strand, the complement: SLC7A7 is on the minus strand). VCF-style: chr14-22778931-G-C. GRCh37 (hg19) VCF-style: chr14-23248140-G-C.
Other names: c.632C>G, p.Ser211Cys (NM_001126105.3, NM_001126106.4); short protein forms S211C.
Identifiers: ClinVar variation 1523382 (VCV001523382.8), dbSNP rs1022076011, ClinGen allele CA388924165.